The following is an entry in ClinVar:

NM_015338.6(ASXL1):c.3125C>T (p.Pro1042Leu)

Gene: ASXL1 (ASXL transcriptional regulator 1; plus strand). Cytogenetic location: 20q11.21.
Variant type: single nucleotide variant.
Coding change: c.3125C>T on transcript NM_015338.6 (MANE Select); coding-DNA position 3125, C replaced by T.
Protein change: p.Pro1042Leu; replaces proline 1042 with leucine.
Molecular consequence: missense variant.
Genome position (GRCh38, 1-based): chr20:32,435,837, C>T. VCF-style: chr20-32435837-C-T. GRCh37 (hg19) VCF-style: chr20-31023640-C-T.
Other names: c.2942C>T, p.Pro981Leu (NM_001363734.1); short protein forms P981L, P1042L.
Identifiers: ClinVar variation 2105048 (VCV002105048.5), dbSNP rs2145377928, ClinGen allele CA408562408.
Genomic context (GRCh38, chr20:32,435,837, plus strand): 5'-CAGTGACAAAGGGATCTTCGGTGGACAAGGATGAGAAACCCAATTGGAACCAATCTGCCC[C>T]ACTGTCCAAGGTGAATGGTGACATGCGTCTGGTTACAAGGACAGATGGGATGGTTGCTCC-3'
Protein context (NP_056153.2, residues 1032-1052): DEKPNWNQSA[Pro1042Leu]LSKVNGDMRL

ClinVar aggregate classification (germline): Uncertain significance. Review status: criteria provided, multiple submitters, no conflicts (2 of 4 stars). 2 submissions from 2 submitters: Uncertain significance (2). Last evaluated 2025-01-08.

Conditions:
Inborn genetic diseases. Identifiers: MedGen C0950123, MeSH D030342.

Submissions (2):

Ambry Genetics
Classification: Uncertain significance for Inborn genetic diseases. Last evaluated: 2025-01-08. Review status: criteria provided, single submitter. Criteria: Ambry Variant Classification Scheme 2023. Collection method: clinical testing. Allele origin: germline.
Comment: The p.P1042L variant (also known as c.3125C>T), located in coding exon 13 of the ASXL1 gene, results from a C to T substitution at nucleotide position 3125. The proline at codon 1042 is replaced by leucine, an amino acid with similar properties. This amino acid position is conserved. In addition, this alteration is predicted to be tolerated by in silico analysis. Based on the available evidence, the clinical significance of this variant remains unclear.

Labcorp Genetics (formerly Invitae), Labcorp
Classification: Uncertain significance. Last evaluated: 2023-08-17. Review status: criteria provided, single submitter. Criteria: Invitae Variant Classification Sherloc (09022015). Collection method: clinical testing. Allele origin: germline.
Comment: This sequence change replaces proline, which is neutral and non-polar, with leucine, which is neutral and non-polar, at codon 1042 of the ASXL1 protein (p.Pro1042Leu). In summary, the available evidence is currently insufficient to determine the role of this variant in disease. Therefore, it has been classified as a Variant of Uncertain Significance. An algorithm developed to predict the effect of missense changes on protein structure and function (PolyPhen-2) suggests that this variant is likely to be tolerated. ClinVar contains an entry for this variant (Variation ID: 2105048). This variant has not been reported in the literature in individuals affected with ASXL1-related conditions. This variant is not present in population databases (gnomAD no frequency).